The following is an entry in ClinVar:

NM_177559.3(CSNK2A1):c.645G>A (p.Met215Ile)

Gene: CSNK2A1 (casein kinase 2 alpha 1; minus strand). Cytogenetic location: 20p13.
Variant type: single nucleotide variant.
Coding change: c.645G>A on transcript NM_177559.3 (MANE Select); coding-DNA position 645, G replaced by A.
Protein change: p.Met215Ile; replaces methionine 215 with isoleucine.
Molecular consequence: missense variant.
Genome position (GRCh38, 1-based): chr20:489,858, C>T on the plus strand (G>A on the coding strand, the complement: CSNK2A1 is on the minus strand). VCF-style: chr20-489858-C-T. GRCh37 (hg19) VCF-style: chr20-470502-C-T.
Other names: c.645G>A, p.Met215Ile (NM_001362770.2, NM_001362771.2, NM_001895.4); c.237G>A, p.Met79Ile (NM_177560.3); short protein forms M215I, M79I.
Identifiers: ClinVar variation 2572800 (VCV002572800.1), dbSNP rs2514641245, ClinGen allele CA407929579.
Genomic context (GRCh38, chr20:489,858, plus strand): 5'-TCCATGGAAAAATGGCTCCTTCCGAAAGATCATACTTGCCAGCATACAACCCAAACTCCA[C>T]ATATCCAAACTATAATCGTACATCTGCATAAAAGTAAACTCACTGTTATTATCTGTGAAT-3'
Protein context (NP_808227.1, residues 205-225): DYQMYDYSLD[Met215Ile]WSLGCMLASM

ClinVar aggregate classification (germline): Uncertain significance (1 of 4 stars; one submission).

Submission:

GeneDx
Classification: Uncertain significance. Last evaluated: 2023-01-11. Review status: criteria provided, single submitter. Criteria: GeneDx Variant Classification Process June 2021. Collection method: clinical testing. Allele origin: germline. Affected: yes.
Comment: Not observed at significant frequency in large population cohorts (gnomAD); In silico analysis supports that this missense variant has a deleterious effect on protein structure/function; Has not been previously published as pathogenic or benign to our knowledge